The following is an entry in ClinVar:

ClinVar aggregate classification (germline): Uncertain significance (1 of 4 stars; one submission).

Conditions:
Autoimmune interstitial lung disease-arthritis syndrome. Also called: Autoinflammation and autoimmunity, systemic, with immune dysregulation. Identifiers: Orphanet 444092, MedGen C5975714, MONDO:0014629.

Allele frequency attached by ClinVar (database versions not stated): gnomAD exomes below 0.00001; TOPMed below 0.00001; gnomAD 0.00001.
gnomAD v4.1: 2 of 1,614,092 alleles (0.00012%); highest among the groups gnomAD compares: African/African-American, 0.0013%; no homozygotes.

Submission:

Labcorp Genetics (formerly Invitae), Labcorp
Classification: Uncertain significance for Autoimmune interstitial lung disease-arthritis syndrome. Last evaluated: 2022-12-06. Review status: criteria provided, single submitter. Criteria: Invitae Variant Classification Sherloc (09022015). Collection method: clinical testing. Allele origin: germline.
Comment: In summary, the available evidence is currently insufficient to determine the role of this variant in disease. Therefore, it has been classified as a Variant of Uncertain Significance. Advanced modeling of protein sequence and biophysical properties (such as structural, functional, and spatial information, amino acid conservation, physicochemical variation, residue mobility, and thermodynamic stability) performed at Invitae indicates that this missense variant is not expected to disrupt COPA protein function. This variant has not been reported in the literature in individuals affected with COPA-related conditions. This variant is not present in population databases (gnomAD no frequency). This sequence change replaces aspartic acid, which is acidic and polar, with asparagine, which is neutral and polar, at codon 868 of the COPA protein (p.Asp868Asn).

NM_004371.4(COPA):c.2602G>A (p.Asp868Asn)

Gene: COPA (coat protein complex I subunit alpha; minus strand). Cytogenetic location: 1q23.2.
Variant type: single nucleotide variant.
Coding change: c.2602G>A on transcript NM_004371.4 (MANE Select); coding-DNA position 2602, G replaced by A.
Protein change: p.Asp868Asn; replaces aspartic acid 868 with asparagine.
Molecular consequence: missense variant.
Genome position (GRCh38, 1-based): chr1:160,294,558, C>T on the plus strand (G>A on the coding strand, the complement: COPA is on the minus strand). VCF-style: chr1-160294558-C-T. GRCh37 (hg19) VCF-style: chr1-160264348-C-T.
Other names: c.2629G>A, p.Asp877Asn (NM_001098398.2); short protein forms D877N, D868N.
Identifiers: ClinVar variation 2892600 (VCV002892600.3), dbSNP rs1204298316, ClinGen allele CA343275598.
Genomic context (GRCh38, chr1:160,294,558, plus strand): 5'-GCTCCAGATCTTCTTCTACATCCCAGCCACCTCCTTCTTCCTGTCCCTTGCCAAGAGCAT[C>T]ATCCCCCAAACCTTCTGTAGCCTCCACAAACCCATCTGTAAGGAAAATTCAAGCTCAAAA-3'
Protein context (NP_004362.2, residues 858-878): FVEATEGLGD[Asp868Asn]ALGKGQEEGG